The following is an entry in ClinVar:

ClinVar aggregate classification (germline): Conflicting classifications of pathogenicity. Review status: criteria provided, conflicting classifications (1 of 4 stars). 2 submissions from 2 submitters: Likely pathogenic (1); Uncertain significance (1). Last evaluated 2022-09-16.

Conditions:
Epilepsy, familial focal, with variable foci 3 (FFEVF3). Identifiers: MedGen C4310708, MONDO:0014925, OMIM 617118.

Submissions (2):

Labcorp Genetics (formerly Invitae), Labcorp
Classification: Uncertain significance for Epilepsy, familial focal, with variable foci 3. Last evaluated: 2022-09-16. Review status: criteria provided, single submitter. Criteria: Invitae Variant Classification Sherloc (09022015). Collection method: clinical testing. Allele origin: germline.
Comment: This variant is not present in population databases (gnomAD no frequency). In summary, the available evidence is currently insufficient to determine the role of this variant in disease. Therefore, it has been classified as a Variant of Uncertain Significance. Experimental studies and prediction algorithms are not available or were not evaluated, and the functional significance of this variant is currently unknown. ClinVar contains an entry for this variant (Variation ID: 976081). This variant has not been reported in the literature in individuals affected with NPRL3-related conditions. This sequence change replaces leucine, which is neutral and non-polar, with proline, which is neutral and non-polar, at codon 145 of the NPRL3 protein (p.Leu145Pro).

Institute of Human Genetics, University of Leipzig Medical Center
Classification: Likely pathogenic for Epilepsy, familial focal, with variable foci 3. Last evaluated: 2018-06-06. Review status: criteria provided, single submitter. Criteria: ACMG Guidelines, 2015. Collection method: clinical testing. Allele origin: de novo. Affected: yes. Observed: 1 variant allele.
Comment: This variant was identified as de novo (maternity and paternity confirmed).

NM_001077350.3(NPRL3):c.434T>C (p.Leu145Pro)

Genes: HBA-LCR (alpha-globin locus control region; plus strand), NPRL3 (NPR3 like, GATOR1 complex subunit; minus strand). Cytogenetic location: 16p13.3.
Variant type: single nucleotide variant.
Coding change: c.434T>C on transcript NM_001077350.3 (MANE Select); coding-DNA position 434, T replaced by C.
Protein change: p.Leu145Pro; replaces leucine 145 with proline.
Molecular consequence: missense variant. On other transcripts: 5 prime UTR variant (1).
Genome position (GRCh38, 1-based): chr16:112,735, A>G on the plus strand (T>C on the coding strand, the complement: NPRL3 is on the minus strand). VCF-style: chr16-112735-A-G. GRCh37 (hg19) VCF-style: chr16-162734-A-G.
Other names: c.-104T>C (NM_001039476.3); c.200T>C, p.Leu67Pro (NM_001243247.2); c.359T>C, p.Leu120Pro (NM_001243248.2, NM_001243249.2); short protein forms L120P, L145P, L67P.
Identifiers: ClinVar variation 976081 (VCV000976081.7), dbSNP rs1899872500, ClinGen allele CA393994002.
Genomic context (GRCh38, chr16:112,735, plus strand): 5'-CGGGTGAGGTACTGGCAGCGGCGCTCCTCGTGCTGCAGCACGGTGGCGATACGACGGGAC[A>G]GGTTATGCAGACAGTTTATCACTGACGGGTCTGCGTTGGCCTGCAGGAGAGAGACCATAC-3'
Protein context (NP_001070818.1, residues 135-155): DPSVINCLHN[Leu145Pro]SRRIATVLQH